The following is an entry in ClinVar:

ClinVar aggregate classification (germline): Benign/Likely benign. Review status: criteria provided, multiple submitters, no conflicts (2 of 4 stars). 3 submissions from 3 submitters: Benign (1); Likely benign (2). Last evaluated 2026-01-16.

Conditions:
Hyper-IgM syndrome type 1. Also called: Hyper-IgM Immunodeficiency Syndrome, Type 1; X-linked hyper-IgM syndrome; CD40 Ligand Deficiency; Immunodeficiency, X-linked, with hyper-IgM. Identifiers: Orphanet 101088, MedGen C0398689, MONDO:0010626, OMIM 308230.

Allele frequency attached by ClinVar (database versions not stated): ESP Exome Variant Server 0.00009; ExAC 0.00013; gnomAD exomes 0.00015; gnomAD 0.00023 and 0.00024; TOPMed 0.00023.
gnomAD v4.1: 319 of 1,201,660 alleles (0.027%); highest among the groups gnomAD compares: East Asian, 0.044%; no homozygotes.

Submissions (3):

Labcorp Genetics (formerly Invitae), Labcorp
Classification: Benign for Hyper-IgM syndrome type 1. Last evaluated: 2026-01-16. Review status: criteria provided, single submitter. Criteria: Invitae Variant Classification Sherloc (09022015). Collection method: clinical testing. Allele origin: germline.

CeGaT Center for Human Genetics Tuebingen
Classification: Likely benign. Last evaluated: 2024-01-01. Review status: criteria provided, single submitter. Criteria: CeGaT Center For Human Genetics Tuebingen Variant Classification Criteria Version 2. Collection method: clinical testing. Allele origin: germline. Affected: yes. Observed: 1 variant allele.
Comment: CD40LG: BP4, BS2

Blueprint Genetics
Classification: Likely benign. Last evaluated: 2022-09-15. Review status: criteria provided, single submitter. Criteria: ACMG Guidelines, 2015. Collection method: clinical testing. Allele origin: germline.

NM_000074.3(CD40LG):c.32G>A (p.Arg11Gln)

Gene: CD40LG (CD40 ligand; plus strand). Cytogenetic location: Xq26.3.
Variant type: single nucleotide variant.
Coding change: c.32G>A on transcript NM_000074.3 (MANE Select); coding-DNA position 32, G replaced by A.
Protein change: p.Arg11Gln; replaces arginine 11 with glutamine.
Molecular consequence: missense variant.
Genome position (GRCh38, 1-based): chrX:136,648,280, G>A. VCF-style: chrX-136648280-G-A. GRCh37 (hg19) VCF-style: chrX-135730439-G-A.
Other names: short protein forms R11Q.
Identifiers: ClinVar variation 746752 (VCV000746752.34), dbSNP rs145115086, ClinGen allele CA10528065.
Genomic context (GRCh38, chrX:136,648,280, plus strand): 5'-AGAAGATACCATTTCAACTTTAACACAGCATGATCGAAACATACAACCAAACTTCTCCCC[G>A]ATCTGCGGCCACTGGACTGCCCATCAGCATGAAAATTTTTATGTATTTACTTACTGTTTT-3'
Protein context (NP_000065.1, residues 1-21): MIETYNQTSP[Arg11Gln]SAATGLPISM